The following is an entry in ClinVar:

ClinVar aggregate classification (germline): Likely pathogenic (1 of 4 stars; one submission).

gnomAD v4.1: 1 of 1,607,308 alleles (0.000062%); highest among the groups gnomAD compares: Non-Finnish European, 0.000085%; no homozygotes.

Submission:

GeneDx
Classification: Likely pathogenic. Last evaluated: 2024-02-17. Review status: criteria provided, single submitter. Criteria: GeneDx Variant Classification Process June 2021. Collection method: clinical testing. Allele origin: germline. Affected: yes.
Comment: Not observed at significant frequency in large population cohorts (gnomAD); In silico analysis supports that this missense variant has a deleterious effect on protein structure/function; Has not been previously published as pathogenic or benign to our knowledge

NM_006136.3(CAPZA2):c.775C>T (p.Arg259Cys)

Gene: CAPZA2 (capping actin protein of muscle Z-line subunit alpha 2; plus strand). Cytogenetic location: 7q31.2.
Variant type: single nucleotide variant.
Coding change: c.775C>T on transcript NM_006136.3 (MANE Select); coding-DNA position 775, C replaced by T.
Protein change: p.Arg259Cys; replaces arginine 259 with cysteine.
Molecular consequence: missense variant.
Genome position (GRCh38, 1-based): chr7:116,917,781, C>T. VCF-style: chr7-116917781-C-T. GRCh37 (hg19) VCF-style: chr7-116557835-C-T.
Other names: short protein forms R259C.
Identifiers: ClinVar variation 3369411 (VCV003369411.1).